The following is an entry in ClinVar:

ClinVar aggregate classification (germline): Uncertain significance (1 of 4 stars; one submission).

Allele frequency attached by ClinVar (database versions not stated): gnomAD exomes below 0.00001; ExAC 0.00001; gnomAD 0.00001; TOPMed 0.00002.
gnomAD v4.1: 2 of 1,613,088 alleles (0.00012%); highest among the groups gnomAD compares: African/African-American, 0.0027%; no homozygotes.

Submission:

Labcorp Genetics (formerly Invitae), Labcorp
Classification: Uncertain significance. Last evaluated: 2025-04-14. Review status: criteria provided, single submitter. Criteria: Invitae Variant Classification Sherloc (09022015). Collection method: clinical testing. Allele origin: germline.
Comment: This sequence change replaces leucine, which is neutral and non-polar, with isoleucine, which is neutral and non-polar, at codon 156 of the CNOT1 protein (p.Leu156Ile). This variant is present in population databases (rs771738001, gnomAD 0.01%). This variant has not been reported in the literature in individuals affected with CNOT1-related conditions. ClinVar contains an entry for this variant (Variation ID: 2179386). An algorithm developed to predict the effect of missense changes on protein structure and function (PolyPhen-2) suggests that this variant is likely to be disruptive. In summary, the available evidence is currently insufficient to determine the role of this variant in disease. Therefore, it has been classified as a Variant of Uncertain Significance.

NM_016284.5(CNOT1):c.466C>A (p.Leu156Ile)

Gene: CNOT1 (CCR4-NOT transcription complex subunit 1; minus strand). Cytogenetic location: 16q21.
Variant type: single nucleotide variant.
Coding change: c.466C>A on transcript NM_016284.5 (MANE Select); coding-DNA position 466, C replaced by A.
Protein change: p.Leu156Ile; replaces leucine 156 with isoleucine.
Molecular consequence: missense variant. On other transcripts: non-coding transcript variant (1).
Genome position (GRCh38, 1-based): chr16:58,586,716, G>T on the plus strand (C>A on the coding strand, the complement: CNOT1 is on the minus strand). VCF-style: chr16-58586716-G-T. GRCh37 (hg19) VCF-style: chr16-58620620-G-T.
Other names: c.466C>A, p.Leu156Ile (NM_001265612.2, NM_206999.3); short protein forms L156I.
Identifiers: ClinVar variation 2179386 (VCV002179386.4), dbSNP rs771738001, ClinGen allele CA8090160.